The following is an entry in ClinVar:

ClinVar aggregate classification (germline): Benign/Likely benign. Review status: criteria provided, multiple submitters, no conflicts (2 of 4 stars). 4 submissions from 4 submitters: Benign (2); Likely benign (1). 1 of the submissions does not count toward it. Last evaluated 2026-01-21.

Conditions:
TBXAS1-related disorder. Also called: TBXAS1-related condition.

Allele frequency attached by ClinVar (database versions not stated): gnomAD exomes 0.00027 and 0.00066; ExAC 0.00079; 1000 Genomes Project 30x 0.00141; ESP Exome Variant Server 0.00154; 1000 Genomes Project 0.00160; gnomAD 0.00196 and 0.00212; TOPMed 0.00231.
gnomAD v4.1: 727 of 1,613,452 alleles (0.045%); highest among the groups gnomAD compares: African/African-American, 0.64%; 4 homozygotes.

Submissions (4):

Labcorp Genetics (formerly Invitae), Labcorp
Classification: Benign. Last evaluated: 2026-01-21. Review status: criteria provided, single submitter. Criteria: Invitae Variant Classification Sherloc (09022015). Collection method: clinical testing. Allele origin: germline.

Mayo Clinic Laboratories, Mayo Clinic
Classification: Benign. Last evaluated: 2025-10-15. Review status: criteria provided, single submitter. Criteria: ACMG Guidelines, 2015. Collection method: clinical testing. Allele origin: germline. Observed: 1 variant allele.
Comment: BS1, BS2, BP4

Women's Health and Genetics/Laboratory Corporation of America, LabCorp
Classification: Likely benign. Last evaluated: 2022-09-01. Review status: criteria provided, single submitter. Criteria: LabCorp Variant Classification Summary - May 2015. Collection method: clinical testing. Allele origin: germline.
Comment: Variant summary: TBXAS1 c.1273C>T (p.Arg425Cys) results in a non-conservative amino acid change in the encoded protein sequence. Four of five in-silico tools predict a benign effect of the variant on protein function. The variant allele was found at a frequency of 0.0019 in 151000 control chromosomes, predominantly at a frequency of 0.0063 within the African or African-American subpopulation in the gnomAD database (v3.1 genomes dataset), including 1 homozygote. To our knowledge, no occurrence of c.1273C>T in individuals affected with Ghosal Hematodiaphyseal Dysplasia and no experimental evidence demonstrating its impact on protein function have been reported. One clinical diagnostic laboratory has submitted clinical-significance assessments for this variant to ClinVar after 2014 without evidence for independent evaluation, and classified the variant as benign. Based on the evidence outlined above, the variant was classified as likely benign.

PreventionGenetics, part of Exact Sciences
Classification: Likely benign for TBXAS1-related condition. Last evaluated: 2023-09-28. Review status: no assertion criteria provided. Collection method: clinical testing. Allele origin: germline. Not counted in ClinVar's aggregate classification.
Comment: This variant is classified as likely benign based on ACMG/AMP sequence variant interpretation guidelines (Richards et al. 2015 PMID: 25741868, with internal and published modifications).

NM_001061.7(TBXAS1):c.1270C>T (p.Arg424Cys)

Gene: TBXAS1 (thromboxane A synthase 1; plus strand). Cytogenetic location: 7q34.
Variant type: single nucleotide variant.
Coding change: c.1270C>T on transcript NM_001061.7 (MANE Select); coding-DNA position 1270, C replaced by T.
Protein change: p.Arg424Cys; replaces arginine 424 with cysteine.
Molecular consequence: missense variant.
Genome position (GRCh38, 1-based): chr7:140,015,766, C>T. VCF-style: chr7-140015766-C-T. GRCh37 (hg19) VCF-style: chr7-139715566-C-T.
Other names: p.Arg424Cys; c.1270C>T (NM_001061.6); c.1270C>T, p.Arg424Cys (NM_001130966.5, NM_030984.6); c.1408C>T, p.Arg470Cys (NM_001166253.4); c.1069C>T, p.Arg357Cys (NM_001166254.4); c.1213C>T, p.Arg405Cys (NM_001314028.4); c.1087C>T, p.Arg363Cys (NM_001366537.3); short protein forms R357C, R363C, R405C, R424C, R470C.
Identifiers: ClinVar variation 1653640 (VCV001653640.12), dbSNP rs5762, ClinGen allele CA4511968.